The following is an entry in ClinVar:

ClinVar aggregate classification (germline): Uncertain significance (1 of 4 stars; one submission).

Allele frequency attached by ClinVar (database versions not stated): gnomAD exomes below 0.00001.

Submission:

Labcorp Genetics (formerly Invitae), Labcorp
Classification: Uncertain significance. Last evaluated: 2022-10-17. Review status: criteria provided, single submitter. Criteria: Invitae Variant Classification Sherloc (09022015). Collection method: clinical testing. Allele origin: germline.
Comment: Algorithms developed to predict the effect of missense changes on protein structure and function are either unavailable or do not agree on the potential impact of this missense change (SIFT: "Deleterious"; PolyPhen-2: "Not Available"; Align-GVGD: "Class C0"). ClinVar contains an entry for this variant (Variation ID: 1376120). This variant has not been reported in the literature in individuals affected with PCLO-related conditions. This variant is not present in population databases (gnomAD no frequency). This sequence change replaces serine, which is neutral and polar, with proline, which is neutral and non-polar, at codon 2608 of the PCLO protein (p.Ser2608Pro). In summary, the available evidence is currently insufficient to determine the role of this variant in disease. Therefore, it has been classified as a Variant of Uncertain Significance.

NM_033026.6(PCLO):c.7822T>C (p.Ser2608Pro)

Gene: PCLO (piccolo presynaptic cytomatrix protein; minus strand). Cytogenetic location: 7q21.11.
Variant type: single nucleotide variant.
Coding change: c.7822T>C on transcript NM_033026.6 (MANE Select); coding-DNA position 7822, T replaced by C.
Protein change: p.Ser2608Pro; replaces serine 2608 with proline.
Molecular consequence: missense variant.
Genome position (GRCh38, 1-based): chr7:82,953,131, A>G on the plus strand (T>C on the coding strand, the complement: PCLO is on the minus strand). VCF-style: chr7-82953131-A-G. GRCh37 (hg19) VCF-style: chr7-82582447-A-G.
Other names: c.7822T>C, p.Ser2608Pro (NM_014510.3); short protein forms S2608P.
Identifiers: ClinVar variation 1376120 (VCV001376120.6), dbSNP rs2116438195, ClinGen allele CA367915729.
Genomic context (GRCh38, chr7:82,953,131, plus strand): 5'-CTGTCACAGGAGGAACTACAGAAAACACAGGTTCAACAGAAACCAGATCTTTGGAGGGTG[A>G]TCCCAAGGGCCAACTGGTAATTGCTTGACTAGCAGAAGAATCTGTTGGAGTCCCTGGTTC-3'
Protein context (NP_149015.2, residues 2598-2618): SQAITSWPLG[Ser2608Pro]PSKDLVSVEP